The following is an entry in ClinVar:

ClinVar aggregate classification (germline): Benign/Likely benign. Review status: criteria provided, multiple submitters, no conflicts (2 of 4 stars). 8 submissions from 8 submitters: Benign (1); Likely benign (6). 1 of the submissions does not count toward it. Last evaluated 2025-10-13.

Conditions:
Hereditary cancer-predisposing syndrome. Also called: Hereditary neoplastic syndrome; Neoplastic Syndromes, Hereditary; Tumor predisposition; Hereditary Cancer Syndrome. Identifiers: Orphanet 140162, MedGen C0027672, MeSH D009386, MONDO:0015356.
APC-related disorder. Also called: APC-related condition.
Familial adenomatous polyposis 1 (FAP1). Also called: POLYPOSIS, ADENOMATOUS INTESTINAL; FAMILIAL ADENOMATOUS POLYPOSIS 1, ATTENUATED. Identifiers: MedGen C2713442, MONDO:0021056, OMIM 175100. Disease mechanism: loss of function.
Classic or attenuated familial adenomatous polyposis. Identifiers: MedGen CN372698, MONDO:0021057.

Allele frequency attached by ClinVar (database versions not stated): gnomAD exomes 0.00001; TOPMed 0.00001; ExAC 0.00002; gnomAD 0.00004; ESP Exome Variant Server 0.00008.
gnomAD v4.1: 9 of 1,613,936 alleles (0.00056%); highest among the groups gnomAD compares: African/African-American, 0.012%; no homozygotes.

Submissions (8):

Labcorp Genetics (formerly Invitae), Labcorp
Classification: Likely benign for Familial adenomatous polyposis 1. Last evaluated: 2025-10-13. Review status: criteria provided, single submitter. Criteria: Invitae Variant Classification Sherloc (09022015). Collection method: clinical testing. Allele origin: germline.

Mayo Clinic Laboratories, Mayo Clinic
Classification: Likely benign. Last evaluated: 2025-07-29. Review status: criteria provided, single submitter. Criteria: ACMG Guidelines, 2015. Collection method: clinical testing. Allele origin: germline. Observed: 1 variant allele.
Comment: BS1, BP4, BP7

All of Us Research Program, National Institutes of Health
Classification: Likely benign for Classic or attenuated familial adenomatous polyposis. Last evaluated: 2024-04-16. Review status: criteria provided, single submitter. Criteria: ACMG Guidelines, 2015. Collection method: clinical testing. Allele origin: germline. Inheritance: Autosomal dominant inheritance. Observed: 2 variant alleles, 2 heterozygotes.
Comment: This study involves interpretation of variants in research participants for the purpose of population health screening. Participant phenotype was not available at the time of variant classification. Additional details can be found in publication PMID: 35346344, PMCID: PMC8962531

Myriad Genetics, Inc.
Classification: Benign for Familial adenomatous polyposis 1. Last evaluated: 2024-02-22. Review status: criteria provided, single submitter. Criteria: Myriad Autosomal Dominant, Autosomal Recessive and X-Linked Classification Criteria (2023). Collection method: clinical testing. Allele origin: unknown.
Comment: This variant is considered benign. This variant is a silent/synonymous amino acid change and it is not expected to impact splicing.

Women's Health and Genetics/Laboratory Corporation of America, LabCorp
Classification: Likely benign. Last evaluated: 2021-06-27. Review status: criteria provided, single submitter. Criteria: LabCorp Variant Classification Summary - May 2015. Collection method: clinical testing. Allele origin: germline.

Ambry Genetics
Classification: Likely benign for Hereditary cancer-predisposing syndrome. Last evaluated: 2016-12-22. Review status: criteria provided, single submitter. Criteria: Ambry Variant Classification Scheme 2023. Collection method: clinical testing. Allele origin: germline.

Color Diagnostics, LLC DBA Color Health
Classification: Likely benign for Hereditary cancer-predisposing syndrome. Last evaluated: 2016-03-17. Review status: criteria provided, single submitter. Criteria: ACMG Guidelines, 2015. Collection method: clinical testing. Allele origin: germline.

PreventionGenetics, part of Exact Sciences
Classification: Likely benign for APC-related condition. Last evaluated: 2024-07-15. Review status: no assertion criteria provided. Collection method: clinical testing. Allele origin: germline. Not counted in ClinVar's aggregate classification.
Comment: This variant is classified as likely benign based on ACMG/AMP sequence variant interpretation guidelines (Richards et al. 2015 PMID: 25741868, with internal and published modifications).

NM_000038.6(APC):c.276C>T (p.Ser92=)

Gene: APC (APC regulator of Wnt signaling pathway; plus strand). Cytogenetic location: 5q22.2.
Variant type: single nucleotide variant.
Coding change: c.276C>T on transcript NM_000038.6 (MANE Select); coding-DNA position 276, C replaced by T.
Protein change: p.Ser92=; no amino-acid change (serine 92 retained).
Molecular consequence: synonymous variant. On other transcripts: 5 prime UTR variant (1).
Genome position (GRCh38, 1-based): chr5:112,767,244, C>T. VCF-style: chr5-112767244-C-T. GRCh37 (hg19) VCF-style: chr5-112102941-C-T.
Other names: p.Ser92=; c.276C>T, p.Ser92= (NM_001127510.3, NM_001354895.2, NM_001354896.2 and 2 more transcripts); c.306C>T, p.Ser102= (NM_001127511.3, NM_001354897.2, NM_001354902.2); c.201C>T, p.Ser67= (NM_001354898.2, NM_001354904.2); c.99C>T, p.Ser33= (NM_001354900.2, NM_001354901.2, NM_001354905.2); c.-760C>T (NM_001354906.2).
Identifiers: ClinVar variation 215558 (VCV000215558.24), dbSNP rs369238363, ClinGen allele CA033380.